The following is an entry in ClinVar:

ClinVar aggregate classification (germline): Benign (0 of 4 stars; one submission).

Conditions:
TIAM1-related disorder. Also called: TIAM1-related condition.

Allele frequency attached by ClinVar (database versions not stated): gnomAD exomes 0.00792; ExAC 0.01913; gnomAD 0.04567; TOPMed 0.05119; 1000 Genomes Project 0.05451; ESP Exome Variant Server 0.05451; 1000 Genomes Project 30x 0.05887.
gnomAD v4.1: 18,927 of 1,613,442 alleles (1.2%); highest among the groups gnomAD compares: African/African-American, 15%; 960 homozygotes.

Submission:

PreventionGenetics, part of Exact Sciences
Classification: Benign for TIAM1-related condition. Last evaluated: 2024-03-29. Review status: no assertion criteria provided. Collection method: clinical testing. Allele origin: germline.
Comment: This variant is classified as benign based on ACMG/AMP sequence variant interpretation guidelines (Richards et al. 2015 PMID: 25741868, with internal and published modifications).

NM_001353694.2(TIAM1):c.2532G>C (p.Gln844His)

Gene: TIAM1 (TIAM Rac1 associated GEF 1; minus strand). Cytogenetic location: 21q22.11.
Variant type: single nucleotide variant.
Coding change: c.2532G>C on transcript NM_001353694.2 (MANE Select); coding-DNA position 2532, G replaced by C.
Protein change: p.Gln844His; replaces glutamine 844 with histidine.
Molecular consequence: missense variant.
Genome position (GRCh38, 1-based): chr21:31,195,267, C>G on the plus strand (G>C on the coding strand, the complement: TIAM1 is on the minus strand). VCF-style: chr21-31195267-C-G. GRCh37 (hg19) VCF-style: chr21-32567583-C-G.
Other names: c.2532G>C, p.Gln844His (NM_001353686.2, NM_001353688.1, NM_001353689.1 and 5 more transcripts); c.2457G>C, p.Gln819His (NM_001353687.2); short protein forms Q819H, Q844H.
Identifiers: ClinVar variation 3056099 (VCV003056099.2), dbSNP rs16987932, ClinGen allele CA9998130.